The following is an entry in ClinVar:

NM_014855.3(AP5Z1):c.392C>T (p.Ala131Val)

Gene: AP5Z1 (adaptor related protein complex 5 subunit zeta 1; plus strand). Cytogenetic location: 7p22.1.
Variant type: single nucleotide variant.
Coding change: c.392C>T on transcript NM_014855.3 (MANE Select); coding-DNA position 392, C replaced by T.
Protein change: p.Ala131Val; replaces alanine 131 with valine.
Molecular consequence: missense variant. On other transcripts: 5 prime UTR variant (1), non-coding transcript variant (1).
Genome position (GRCh38, 1-based): chr7:4,783,341, C>T. VCF-style: chr7-4783341-C-T. GRCh37 (hg19) VCF-style: chr7-4822972-C-T.
Other names: c.-77C>T (NM_001364858.1); short protein forms A131V.
Identifiers: ClinVar variation 908918 (VCV000908918.37), dbSNP rs372539355, ClinGen allele CA4137196.

ClinVar aggregate classification (germline): Conflicting classifications of pathogenicity. Review status: criteria provided, conflicting classifications (1 of 4 stars). 5 submissions from 5 submitters: Uncertain significance (4); Likely benign (1). Last evaluated 2024-04-06.

Conditions:
Inborn genetic diseases. Identifiers: MedGen C0950123, MeSH D030342.
Hereditary spastic paraplegia 48. Also called: SPASTIC PARAPLEGIA 48, AUTOSOMAL RECESSIVE; Spastic paraplegia 48. Identifiers: Orphanet 306511, MedGen C3150901, MONDO:0013342, OMIM 613647.

Allele frequency attached by ClinVar (database versions not stated): gnomAD 0.00001 and 0.00003; gnomAD exomes 0.00002; ExAC 0.00003; TOPMed 0.00005; ESP Exome Variant Server 0.00008.
gnomAD v4.1: 92 of 1,612,222 alleles (0.0057%); highest among the groups gnomAD compares: Non-Finnish European, 0.0075%; no homozygotes.

Submissions (5):

Ambry Genetics
Classification: Uncertain significance for Inborn genetic diseases. Last evaluated: 2024-04-06. Review status: criteria provided, single submitter. Criteria: Ambry Variant Classification Scheme 2023. Collection method: clinical testing. Allele origin: germline.

CeGaT Center for Human Genetics Tuebingen
Classification: Likely benign. Last evaluated: 2022-10-01. Review status: criteria provided, single submitter. Criteria: CeGaT Center For Human Genetics Tuebingen Variant Classification Criteria Version 2. Collection method: clinical testing. Allele origin: germline. Affected: yes. Observed: 1 variant allele.
Comment: AP5Z1: BP4

Athena Diagnostics
Classification: Uncertain significance. Last evaluated: 2022-01-13. Review status: criteria provided, single submitter. Criteria: Athena Diagnostics Criteria. Collection method: clinical testing. Allele origin: unknown.

Labcorp Genetics (formerly Invitae), Labcorp
Classification: Uncertain significance for Hereditary spastic paraplegia 48. Last evaluated: 2021-08-04. Review status: criteria provided, single submitter. Criteria: Invitae Variant Classification Sherloc (09022015). Collection method: clinical testing. Allele origin: germline.
Comment: ClinVar contains an entry for this variant (Variation ID: 908918). This variant has not been reported in the literature in individuals affected with AP5Z1-related conditions. This variant is present in population databases (rs372539355, ExAC 0.006%). This sequence change replaces alanine with valine at codon 131 of the AP5Z1 protein (p.Ala131Val). The alanine residue is moderately conserved and there is a small physicochemical difference between alanine and valine. Algorithms developed to predict the effect of missense changes on protein structure and function are either unavailable or do not agree on the potential impact of this missense change (SIFT: "Deleterious"; PolyPhen-2: "Benign"; Align-GVGD: "Class C0"). In summary, the available evidence is currently insufficient to determine the role of this variant in disease. Therefore, it has been classified as a Variant of Uncertain Significance.

Illumina Laboratory Services, Illumina
Classification: Uncertain significance for Hereditary spastic paraplegia 48. Last evaluated: 2018-01-13. Review status: criteria provided, single submitter. Criteria: ICSL Variant Classification Criteria 13 December 2019. Collection method: clinical testing. Allele origin: germline.